The following is an entry in ClinVar:

ClinVar aggregate classification (germline): Uncertain significance (1 of 4 stars; one submission).

Allele frequency attached by ClinVar (database versions not stated): gnomAD 0.00011; 1000 Genomes Project 30x 0.00016; TOPMed 0.00017; 1000 Genomes Project 0.00020.
gnomAD v4.1: 72 of 1,539,914 alleles (0.0047%); highest among the groups gnomAD compares: African/African-American, 0.027%; no homozygotes.

Submission:

Labcorp Genetics (formerly Invitae), Labcorp
Classification: Uncertain significance. Last evaluated: 2022-05-15. Review status: criteria provided, single submitter. Criteria: Invitae Variant Classification Sherloc (09022015). Collection method: clinical testing. Allele origin: germline.
Comment: Algorithms developed to predict the effect of missense changes on protein structure and function output the following: SIFT: "Tolerated"; PolyPhen-2: "Benign"; Align-GVGD: "Class C0". The asparagine amino acid residue is found in multiple mammalian species, which suggests that this missense change does not adversely affect protein function. This variant has not been reported in the literature in individuals affected with OTOG-related conditions. This variant is present in population databases (rs560036172, gnomAD 0.09%). This sequence change replaces aspartic acid, which is acidic and polar, with asparagine, which is neutral and polar, at codon 895 of the OTOG protein (p.Asp895Asn). In summary, the available evidence is currently insufficient to determine the role of this variant in disease. Therefore, it has been classified as a Variant of Uncertain Significance.

NM_001292063.2(OTOG):c.2647G>A (p.Asp883Asn)

Gene: OTOG (otogelin; plus strand). Cytogenetic location: 11p15.1.
Variant type: single nucleotide variant.
Coding change: c.2647G>A on transcript NM_001292063.2 (MANE Select); coding-DNA position 2647, G replaced by A.
Protein change: p.Asp883Asn; replaces aspartic acid 883 with asparagine.
Molecular consequence: missense variant.
Genome position (GRCh38, 1-based): chr11:17,578,414, G>A. VCF-style: chr11-17578414-G-A. GRCh37 (hg19) VCF-style: chr11-17599961-G-A.
Other names: c.2683G>A, p.Asp895Asn (NM_001277269.2); short protein forms D883N, D895N.
Identifiers: ClinVar variation 2060897 (VCV002060897.3), dbSNP rs560036172, ClinGen allele CA218454416.